The following is an entry in ClinVar:

NM_001369.3(DNAH5):c.5983C>T (p.Arg1995Ter)

Gene: DNAH5 (dynein axonemal heavy chain 5; minus strand). Cytogenetic location: 5p15.2.
Variant type: single nucleotide variant.
Coding change: c.5983C>T on transcript NM_001369.3 (MANE Select); coding-DNA position 5983, C replaced by T.
Protein change: p.Arg1995Ter; replaces arginine 1995 with a stop codon.
Molecular consequence: nonsense.
Genome position (GRCh38, 1-based): chr5:13,830,675, G>A on the plus strand (C>T on the coding strand, the complement: DNAH5 is on the minus strand). VCF-style: chr5-13830675-G-A. GRCh37 (hg19) VCF-style: chr5-13830784-G-A.
Other names: short protein forms R1995*.
Identifiers: ClinVar variation 407220 (VCV000407220.16), dbSNP rs773711154, ClinGen allele CA3203516.
Genomic context (GRCh38, chr5:13,830,675, plus strand): 5'-GTCCTCGGAAATCCATCTGGTCTGAACAATTGAAAACCACGACGTATTTCCCGAGGCATC[G>A]TCCCATGTCTTTAGTGGTTTCTGTTTTGCCTGTGCCTGCAGGTCCAGCAGGGGCTCCCCC-3'

ClinVar aggregate classification (germline): Pathogenic. Review status: criteria provided, multiple submitters, no conflicts (2 of 4 stars). 3 submissions from 3 submitters: Pathogenic (2). 1 of the submissions does not count toward it. Last evaluated 2025-10-14.

Conditions:
Primary ciliary dyskinesia. Also called: Ciliary dyskinesia. Identifiers: Orphanet 244, MedGen C0008780, MONDO:0016575, HP:0012265.

Allele frequency attached by ClinVar (database versions not stated): gnomAD 0.00001 and 0.00002; gnomAD exomes 0.00001; ExAC 0.00002; TOPMed 0.00002.
gnomAD v4.1: 45 of 1,614,022 alleles (0.0028%); highest among the groups gnomAD compares: Non-Finnish European, 0.0038%; no homozygotes.

Submissions (3):

Labcorp Genetics (formerly Invitae), Labcorp
Classification: Pathogenic for Primary ciliary dyskinesia. Last evaluated: 2025-10-14. Review status: criteria provided, single submitter. Criteria: Invitae Variant Classification Sherloc (09022015). Collection method: clinical testing. Allele origin: germline.
Comment: This sequence change creates a premature translational stop signal (p.Arg1995*) in the DNAH5 gene. It is expected to result in an absent or disrupted protein product. Loss-of-function variants in DNAH5 are known to be pathogenic (PMID: 11788826, 16627867). This variant is present in population databases (rs773711154, gnomAD 0.003%). This premature translational stop signal has been observed in individual(s) with primary ciliary dyskinesia (PMID: 23891469, 27779714). ClinVar contains an entry for this variant (Variation ID: 407220). Algorithms developed to predict the effect of sequence changes on RNA splicing suggest that this variant may disrupt the consensus splice site. For these reasons, this variant has been classified as Pathogenic.

Natera, Inc.
Classification: Pathogenic for Primary ciliary dyskinesia. Last evaluated: 2025-08-29. Review status: criteria provided, single submitter. Criteria: Natera Variant Classification Schema (03/2026). Collection method: clinical testing. Allele origin: germline.
Comment: The c.5983C>T variant in DNAH5 is a nonsense variant predicted to introduce a stop codon at amino acid 1995. This variant is expected to result in nonsense mediated decay, truncation, or a dysfunctional protein product. This variant is rare in the general population with a frequency below the threshold expected for the associated phenotype(s). This variant has been observed in one or more individuals affected with the associated recessive disease, as either homozygous or compound heterozygous with a second variant (PMID: 27779714). Given the available evidence, this variant is classified as Pathogenic.

Yale Center for Mendelian Genomics, Yale University
Classification: Likely pathogenic for Primary ciliary dyskinesia. Last evaluated: 2018-08-01. Review status: no assertion criteria provided. Collection method: literature only. Allele origin: germline. Affected: yes. Observed: 1 compound heterozygote. Study: Yale Center for Mendelian Genomics. Not counted in ClinVar's aggregate classification.

Literature cited by the submitters: PubMed 11788826 (cited by Labcorp Genetics (formerly Invitae), Labcorp); PubMed 16627867 (cited by Labcorp Genetics (formerly Invitae), Labcorp); PubMed 23891469 (cited by Labcorp Genetics (formerly Invitae), Labcorp); PubMed 27779714 (cited by Labcorp Genetics (formerly Invitae), Labcorp and Natera, Inc.); PubMed 30067075 (cited by Yale Center for Mendelian Genomics, Yale University).